The following is an entry in ClinVar:

NM_018076.5(ODAD2):c.1473A>T (p.Arg491Ser)

Gene: ODAD2 (outer dynein arm docking complex subunit 2; minus strand). Cytogenetic location: 10p12.1.
Variant type: single nucleotide variant.
Coding change: c.1473A>T on transcript NM_018076.5 (MANE Select); coding-DNA position 1473, A replaced by T.
Protein change: p.Arg491Ser; replaces arginine 491 with serine.
Molecular consequence: missense variant.
Genome position (GRCh38, 1-based): chr10:27,944,876, T>A on the plus strand (A>T on the coding strand, the complement: ODAD2 is on the minus strand). VCF-style: chr10-27944876-T-A. GRCh37 (hg19) VCF-style: chr10-28233805-T-A.
Other names: c.1473A>T, p.Arg491Ser (NM_001290020.2); c.48A>T, p.Arg16Ser (NM_001290021.2); c.549A>T, p.Arg183Ser (NM_001312689.2); short protein forms R16S, R183S, R491S.
Identifiers: ClinVar variation 1799671 (VCV001799671.2), dbSNP rs894563035, ClinGen allele CA204520196.

ClinVar aggregate classification (germline): Uncertain significance (1 of 4 stars; one submission).

Conditions:
Primary ciliary dyskinesia. Also called: Ciliary dyskinesia. Identifiers: Orphanet 244, MedGen C0008780, MONDO:0016575, HP:0012265.

Submission:

Ambry Genetics
Classification: Uncertain significance for Primary ciliary dyskinesia. Last evaluated: 2016-07-27. Review status: criteria provided, single submitter. Criteria: Ambry Variant Classification Scheme 2023. Collection method: clinical testing. Allele origin: germline.
Comment: The p.R491S variant (also known as c.1473A>T), located in coding exon 10 of the ARMC4 gene, results from an A to T substitution at nucleotide position 1473. The arginine at codon 491 is replaced by serine, an amino acid with dissimilar properties. This variant was not reported in population based cohorts in the following databases: Database of Single Nucleotide Polymorphisms (dbSNP), NHLBI Exome Sequencing Project (ESP), and 1000 Genomes Project. In the ESP, this variant was not observed in 6503 samples (13006 alleles) with coverage at this position. This amino acid position is well conserved in available vertebrate species. In addition, the in silico prediction for this alteration is inconclusive. Since supporting evidence is limited at this time, the clinical significance of this variant remains unclear.